The following is an entry in ClinVar:

NM_004370.6(COL12A1):c.4689C>T (p.Thr1563=)

Gene: COL12A1 (collagen type XII alpha 1 chain; minus strand). Cytogenetic location: 6q13.
Variant type: single nucleotide variant.
Coding change: c.4689C>T on transcript NM_004370.6 (MANE Select); coding-DNA position 4689, C replaced by T.
Protein change: p.Thr1563=; no amino-acid change (threonine 1563 retained).
Molecular consequence: synonymous variant.
Genome position (GRCh38, 1-based): chr6:75,145,327, G>A on the plus strand (C>T on the coding strand, the complement: COL12A1 is on the minus strand). VCF-style: chr6-75145327-G-A. GRCh37 (hg19) VCF-style: chr6-75855043-G-A.
Other names: c.1197C>T, p.Thr399= (NM_080645.3).
Identifiers: ClinVar variation 971448 (VCV000971448.10), dbSNP rs1767120492, ClinGen allele CA450923921.
Genomic context (GRCh38, chr6:75,145,327, plus strand): 5'-TCTAATGAACATTATGCTCACAGCAATAAGAAGGGAAATAAAACTAAGCAGTAGCTTACA[G>A]GTGACTTCCCGAACAGTGACAGGTTCACTAGTGAGGTCGTGCAGGACAGCCTGGACTGTG-3'
Protein context (NP_004361.3, residues 1553-1573): TSEPVTVREV[Thr1563=]LPLPRPQDLK

ClinVar aggregate classification (germline): Uncertain significance (1 of 4 stars; one submission).

Conditions:
Ullrich congenital muscular dystrophy 2 (UCMD2). Identifiers: Orphanet 75840, MedGen C4225314, MONDO:0014654, OMIM 616470.
Bethlem myopathy 2 (BTHLM2). Identifiers: Orphanet 536516, Orphanet 610, MedGen C4225313, MONDO:0034022, OMIM 616471.

gnomAD v4.1: 1 of 1,603,228 alleles (0.000062%); no homozygotes.

Submission:

Labcorp Genetics (formerly Invitae), Labcorp
Classification: Uncertain significance for Bethlem myopathy 2; Ullrich congenital muscular dystrophy 2. Last evaluated: 2021-08-03. Review status: criteria provided, single submitter. Criteria: Invitae Variant Classification Sherloc (09022015). Collection method: clinical testing. Allele origin: germline.
Comment: In summary, the available evidence is currently insufficient to determine the role of this variant in disease. Therefore, it has been classified as a Variant of Uncertain Significance. Algorithms developed to predict the effect of sequence changes on RNA splicing suggest that this variant is not likely to affect RNA splicing, but this prediction has not been confirmed by published transcriptional studies. This variant has not been reported in the literature in individuals with COL12A1-related conditions. This variant is not present in population databases (ExAC no frequency). This sequence change affects codon 1563 of the COL12A1 mRNA. It is a 'silent' change, meaning that it does not change the encoded amino acid sequence of the COL12A1 protein.